The following is an entry in ClinVar:

ClinVar aggregate classification (germline): Uncertain significance (1 of 4 stars; one submission).

Submission:

Labcorp Genetics (formerly Invitae), Labcorp
Classification: Uncertain significance. Last evaluated: 2022-12-06. Review status: criteria provided, single submitter. Criteria: Invitae Variant Classification Sherloc (09022015). Collection method: clinical testing. Allele origin: germline.
Comment: In summary, the available evidence is currently insufficient to determine the role of this variant in disease. Therefore, it has been classified as a Variant of Uncertain Significance. This variant has not been reported in the literature in individuals affected with SLC25A12-related conditions. This variant results in a copy number gain of the genomic region encompassing exon(s) 16-18 of the SLC25A12 gene. This region includes the termination codon of the gene. This copy number gain extends beyond the assayed region for this gene and therefore may encompass additional genes. As the precise location of this event is unknown, it may be in tandem or it may be located elsewhere in the genome.

NC_000002.11:g.(?_172641784)_(172644477_?)dup

Gene: SLC25A12 (solute carrier family 25 member 12; minus strand). Cytogenetic location: 2q31.1.
Variant type: Duplication.
Identifiers: ClinVar variation 1410849 (VCV001410849.4).